The following is an entry in ClinVar:

NM_000829.4(GRIA4):c.696T>C (p.Val232=)

Gene: GRIA4 (glutamate ionotropic receptor AMPA type subunit 4; plus strand). Cytogenetic location: 11q22.3.
Variant type: single nucleotide variant.
Coding change: c.696T>C on transcript NM_000829.4 (MANE Select); coding-DNA position 696, T replaced by C.
Protein change: p.Val232=; no amino-acid change (valine 232 retained).
Molecular consequence: synonymous variant. On other transcripts: non-coding transcript variant (1).
Genome position (GRCh38, 1-based): chr11:105,887,542, T>C. VCF-style: chr11-105887542-T-C. GRCh37 (hg19) VCF-style: chr11-105758268-T-C.
Other names: c.696T>C, p.Val232= (NM_001077243.3, NM_001077244.2, NM_001112812.2 and 20 more transcripts); c.696T>C (NM_000829.3).
Identifiers: ClinVar variation 4280984 (VCV004280984.8).

ClinVar aggregate classification (germline): Likely benign. Review status: criteria provided, multiple submitters, no conflicts (2 of 4 stars). 2 submissions from 2 submitters: Likely benign (2). Last evaluated 2025-09-01.

Conditions:
GRIA4-related disorder. Also called: GRIA4-related condition.

gnomAD v4.1: 38 of 1,463,562 alleles (0.0026%); highest among the groups gnomAD compares: Admixed American, 0.0035%; no homozygotes.

Submissions (2):

CeGaT Center for Human Genetics Tuebingen
Classification: Likely benign. Last evaluated: 2025-09-01. Review status: criteria provided, single submitter. Criteria: CeGaT Center For Human Genetics Tuebingen Variant Classification Criteria Version 2. Collection method: clinical testing. Allele origin: germline. Affected: yes. Observed: 1 variant allele.
Comment: GRIA4: BP4, BP7

PreventionGenetics, part of Exact Sciences
Classification: Likely benign for GRIA4-related condition. Last evaluated: 2025-06-26. Review status: criteria provided, single submitter. Criteria: ACMG Guidelines, 2015. Collection method: clinical testing. Allele origin: germline.
Comment: This variant is classified as likely benign based on ACMG/AMP sequence variant interpretation guidelines (Richards et al. 2015 PMID: 25741868, with internal and published modifications).